The following is an entry in ClinVar:

NM_012120.3(CD2AP):c.1438A>G (p.Ile480Val)

Gene: CD2AP (CD2 associated protein; plus strand). Cytogenetic location: 6p12.3.
Variant type: single nucleotide variant.
Coding change: c.1438A>G on transcript NM_012120.3 (MANE Select); coding-DNA position 1438, A replaced by G.
Protein change: p.Ile480Val; replaces isoleucine 480 with valine.
Molecular consequence: missense variant.
Genome position (GRCh38, 1-based): chr6:47,606,185, A>G. VCF-style: chr6-47606185-A-G. GRCh37 (hg19) VCF-style: chr6-47573921-A-G.
Other names: short protein forms I480V.
Identifiers: ClinVar variation 3013945 (VCV003013945.3), dbSNP rs2481366861, ClinGen allele CA363940617.
Genomic context (GRCh38, chr6:47,606,185, plus strand): 5'-ACAGTTCTCTTAGTAAATAATGTTTATTTTTATTTTCTAGATGTTGTAAATTTTGATGAC[A>G]TAGCTTCCTCAGAAAACTTGCTTCATCTCACTGCAAATAGACCAAAGATGCCTGGAAGAA-3'
Protein context (NP_036252.1, residues 470-490): KETDVVNFDD[Ile480Val]ASSENLLHLT

ClinVar aggregate classification (germline): Uncertain significance (1 of 4 stars; one submission).

Allele frequency attached by ClinVar (database versions not stated): gnomAD exomes 0.00001.
gnomAD v4.1: 10 of 1,594,790 alleles (0.00063%); highest among the groups gnomAD compares: Non-Finnish European, 0.00086%; no homozygotes.

Submission:

Labcorp Genetics (formerly Invitae), Labcorp
Classification: Uncertain significance. Last evaluated: 2023-06-03. Review status: criteria provided, single submitter. Criteria: Invitae Variant Classification Sherloc (09022015). Collection method: clinical testing. Allele origin: germline.
Comment: In summary, the available evidence is currently insufficient to determine the role of this variant in disease. Therefore, it has been classified as a Variant of Uncertain Significance. Advanced modeling of protein sequence and biophysical properties (such as structural, functional, and spatial information, amino acid conservation, physicochemical variation, residue mobility, and thermodynamic stability) performed at Invitae indicates that this missense variant is not expected to disrupt CD2AP protein function. This variant has not been reported in the literature in individuals affected with CD2AP-related conditions. This variant is not present in population databases (gnomAD no frequency). This sequence change replaces isoleucine, which is neutral and non-polar, with valine, which is neutral and non-polar, at codon 480 of the CD2AP protein (p.Ile480Val).